The following is an entry in ClinVar:

ClinVar aggregate classification (germline): Benign/Likely benign. Review status: criteria provided, multiple submitters, no conflicts (2 of 4 stars). 7 submissions from 7 submitters: Benign (1); Likely benign (3). 3 of the submissions do not count toward it. Last evaluated 2026-04-21.

Conditions:
PKD1-related disorder. Also called: PKD1-related condition.
Polycystic kidney disease, adult type (PKD1). Also called: Polycystic Kidney Disease 1, Autosomal Dominant; Polycystic kidney disease 1; Polycystic kidney disease 1, severe; Polycystic Kidney, Autosomal Dominant; POLYCYSTIC KIDNEY DISEASE 1 WITH OR WITHOUT POLYCYSTIC LIVER DISEASE; POLYCYSTIC KIDNEY DISEASE, ADULT, TYPE I. Identifiers: MedGen C3149841, MONDO:0008263, OMIM 173900.

Allele frequency attached by ClinVar (database versions not stated): gnomAD 0.00024 and 0.00033; gnomAD exomes 0.00027 and 0.00092; TOPMed 0.00054; 1000 Genomes Project 0.00100; ExAC 0.00124; 1000 Genomes Project 30x 0.00141.
gnomAD v4.1: 446 of 1,570,580 alleles (0.028%); highest among the groups gnomAD compares: East Asian, 0.8%; 2 homozygotes.

Submissions (7):

Women's Health and Genetics/Laboratory Corporation of America, LabCorp
Classification: Likely benign. Last evaluated: 2026-04-21. Review status: criteria provided, single submitter. Criteria: LabCorp Variant Classification Summary - May 2015. Collection method: clinical testing. Allele origin: germline.
Comment: Variant summary: PKD1 c.6331G>A (p.Glu2111Lys) results in a conservative amino acid change in the encoded protein sequence. Algorithms developed to predict the effect of missense changes on protein structure and function all suggest that this variant is likely to be tolerated. The variant allele was found at a frequency of 0.00092 in 177374 control chromosomes, predominantly at a frequency of 0.012 within the East Asian subpopulation in the gnomAD database, including 2 homozygotes. The observed variant frequency within East Asian control individuals in the gnomAD database exceeds the estimated maximal expected allele frequency for disease-causing variants in PKD1. To our knowledge, no occurrence of c.6331G>A in individuals affected with PKD1-related conditions and no experimental evidence demonstrating its impact on protein function have been reported. ClinVar contains an entry for this variant (Variation ID: 1194414). Based on the evidence outlined above, the variant was classified as likely benign.

Blueprint Genetics
Classification: Likely benign. Last evaluated: 2024-09-04. Review status: criteria provided, single submitter. Criteria: ACMG Guidelines, 2015. Collection method: clinical testing. Allele origin: germline.

Department of Pathology and Laboratory Medicine, Sinai Health System
Classification: Benign for Polycystic kidney disease, adult type. Last evaluated: 2023-10-05. Review status: criteria provided, single submitter. Criteria: ACMG Guidelines, 2015. Collection method: clinical testing. Allele origin: germline. Affected: yes.

GeneDx
Classification: Likely benign. Last evaluated: 2020-12-23. Review status: criteria provided, single submitter. Criteria: GeneDx Variant Classification Process June 2021. Collection method: clinical testing. Allele origin: germline. Affected: yes.
Comment: Has not been previously published as pathogenic or benign to our knowledge

PreventionGenetics, part of Exact Sciences
Classification: Likely benign for PKD1-related condition. Last evaluated: 2023-04-21. Review status: no assertion criteria provided. Collection method: clinical testing. Allele origin: germline. Not counted in ClinVar's aggregate classification.
Comment: This variant is classified as likely benign based on ACMG/AMP sequence variant interpretation guidelines (Richards et al. 2015 PMID: 25741868, with internal and published modifications).

Clinical Genetics DNA and cytogenetics Diagnostics Lab, Erasmus MC, Erasmus Medical Center
Classification: Benign. Review status: no assertion criteria provided. Collection method: clinical testing. Allele origin: germline. Affected: yes. Study: VKGL Data-share Consensus. Not counted in ClinVar's aggregate classification.

Genome Diagnostics Laboratory, University Medical Center Utrecht
Classification: Benign. Review status: no assertion criteria provided. Collection method: clinical testing. Allele origin: germline. Affected: yes. Study: VKGL Data-share Consensus. Not counted in ClinVar's aggregate classification.

NM_001009944.3(PKD1):c.6331G>A (p.Glu2111Lys)

Gene: PKD1 (polycystin 1, transient receptor potential channel interacting; minus strand). Cytogenetic location: 16p13.3.
Variant type: single nucleotide variant.
Coding change: c.6331G>A on transcript NM_001009944.3 (MANE Select); coding-DNA position 6331, G replaced by A.
Protein change: p.Glu2111Lys; replaces glutamic acid 2111 with lysine.
Molecular consequence: missense variant.
Genome position (GRCh38, 1-based): chr16:2,108,836, C>T on the plus strand (G>A on the coding strand, the complement: PKD1 is on the minus strand). VCF-style: chr16-2108836-C-T. GRCh37 (hg19) VCF-style: chr16-2158837-C-T.
Other names: c.6331G>A, p.Glu2111Lys (NM_000296.4); short protein forms E2111K.
Identifiers: ClinVar variation 1194414 (VCV001194414.8), dbSNP rs138672759, ClinGen allele CA7831631.
Genomic context (GRCh38, chr16:2,108,836, plus strand): 5'-TCACCAGGTTGGAGGCGTTCACCTGCACGCGGTAGTCCCCAGGCCTCAGGTAGGAGTGCT[C>T]GGCCCTGGGCTCATCTGTGTCCTGCCCTGGCGACCCATCCCCAAAGTCCCAGTGGTAGGC-3'
Protein context (NP_001009944.3, residues 2101-2121): PGQDTDEPRA[Glu2111Lys]HSYLRPGDYR